The following is an entry in ClinVar:

NM_006009.4(TUBA1A):c.715A>C (p.Thr239Pro)

Gene: TUBA1A (tubulin alpha 1a; minus strand). Cytogenetic location: 12q13.12.
Variant type: single nucleotide variant.
Coding change: c.715A>C on transcript NM_006009.4 (MANE Select); coding-DNA position 715, A replaced by C.
Protein change: p.Thr239Pro; replaces threonine 239 with proline.
Molecular consequence: missense variant.
Genome position (GRCh38, 1-based): chr12:49,185,651, T>G on the plus strand (A>C on the coding strand, the complement: TUBA1A is on the minus strand). VCF-style: chr12-49185651-T-G. GRCh37 (hg19) VCF-style: chr12-49579434-T-G.
Other names: c.715A>C, p.Thr239Pro (NM_001270399.2); c.610A>C, p.Thr204Pro (NM_001270400.2); short protein forms T239P, T204P.
Identifiers: ClinVar variation 422375 (VCV000422375.3), dbSNP rs1064795738, ClinGen allele CA16619550.

ClinVar aggregate classification (germline): Likely pathogenic. Review status: criteria provided, multiple submitters, no conflicts (2 of 4 stars). 2 submissions from 2 submitters: Likely pathogenic (2). Last evaluated 2018-07-01.

Conditions:
Tubulinopathy. Also called: Tubulinopathies. Identifiers: MedGen CN850169, MONDO:0100153.

Submissions (2):

Institute of Human Genetics, FAU Erlangen, Friedrich-Alexander-Universität Erlangen-Nürnberg
Classification: Likely pathogenic for Tubulinopathies. Last evaluated: 2018-07-01. Review status: criteria provided, single submitter. Criteria: ACMG Guidelines, 2015. Collection method: literature only. Allele origin: germline. Affected: yes. Observed: 1 variant allele.
Comment: The c.715A>C, p.(Thr239Pro) variant has been reported as a variant of germline/unknown origin.

GeneDx
Classification: Likely pathogenic. Last evaluated: 2016-11-17. Review status: criteria provided, single submitter. Criteria: GeneDx Variant Classification (06012015). Collection method: clinical testing. Allele origin: germline. Affected: yes.
Comment: The T239P variant has not been published as a pathogenic variant, nor has it been reported as a benign variant to our knowledge. It was not observed in approximately 6,500 individuals of European and African American ancestry in the NHLBI Exome Sequencing Project, indicating it is not a common benign variant in these populations. The T239P variant is a non-conservative amino acid substitution, which is likely to impact secondary protein structure as these residues differ in polarity, charge, size and/or other properties. This substitution occurs at a position that is conserved across species, and in silico analysis predicts this variant is probably damaging to the protein structure/function. Therefore, this variant is likely pathogenic; however, the possibility that it is benign cannot be excluded.

Literature cited by the submitters: PubMed 30744660 (cited by Institute of Human Genetics, FAU Erlangen, Friedrich-Alexander-Universität Erlangen-Nürnberg); DOI 10.1101/427948 (cited by Institute of Human Genetics, FAU Erlangen, Friedrich-Alexander-Universität Erlangen-Nürnberg).